The following is an entry in ClinVar:

NM_001261826.3(AP3D1):c.3471C>T (p.Ser1157=)

Gene: AP3D1 (adaptor related protein complex 3 subunit delta 1; minus strand). Cytogenetic location: 19p13.3.
Variant type: single nucleotide variant.
Coding change: c.3471C>T on transcript NM_001261826.3 (MANE Select); coding-DNA position 3471, C replaced by T.
Protein change: p.Ser1157=; no amino-acid change (serine 1157 retained).
Molecular consequence: synonymous variant.
Genome position (GRCh38, 1-based): chr19:2,109,087, G>A on the plus strand (C>T on the coding strand, the complement: AP3D1 is on the minus strand). VCF-style: chr19-2109087-G-A. GRCh37 (hg19) VCF-style: chr19-2109086-G-A.
Other names: c.3435C>T, p.Ser1145= (NM_001374799.1); c.3285C>T, p.Ser1095= (NM_003938.8).
Identifiers: ClinVar variation 1940820 (VCV001940820.13), dbSNP rs774547405, ClinGen allele CA9058386.

ClinVar aggregate classification (germline): Conflicting classifications of pathogenicity. Review status: criteria provided, conflicting classifications (1 of 4 stars). 2 submissions from 2 submitters: Uncertain significance (1); Likely benign (1). Last evaluated 2026-01-01.

Allele frequency attached by ClinVar (database versions not stated): ExAC 0.00001; gnomAD 0.00001; gnomAD exomes 0.00001; TOPMed 0.00001.
gnomAD v4.1: 23 of 1,608,028 alleles (0.0014%); highest among the groups gnomAD compares: African/African-American, 0.0027%; no homozygotes.

Submissions (2):

CeGaT Center for Human Genetics Tuebingen
Classification: Likely benign. Last evaluated: 2026-01-01. Review status: criteria provided, single submitter. Criteria: CeGaT Center For Human Genetics Tuebingen Variant Classification Criteria Version 2. Collection method: clinical testing. Allele origin: germline. Affected: yes. Observed: 1 variant allele.
Comment: AP3D1: BP4, BP7

Labcorp Genetics (formerly Invitae), Labcorp
Classification: Uncertain significance. Last evaluated: 2025-01-18. Review status: criteria provided, single submitter. Criteria: Invitae Variant Classification Sherloc (09022015). Collection method: clinical testing. Allele origin: germline.
Comment: This sequence change affects codon 1157 of the AP3D1 mRNA. It is a 'silent' change, meaning that it does not change the encoded amino acid sequence of the AP3D1 protein. It affects a nucleotide within the consensus splice site. This variant is present in population databases (rs774547405, gnomAD 0.007%). This variant has not been reported in the literature in individuals affected with AP3D1-related conditions. ClinVar contains an entry for this variant (Variation ID: 1940820). Algorithms developed to predict the effect of sequence changes on RNA splicing suggest that this variant is not likely to affect RNA splicing. In summary, the available evidence is currently insufficient to determine the role of this variant in disease. Therefore, it has been classified as a Variant of Uncertain Significance.